The following is an entry in ClinVar:

NM_001101362.3(KBTBD13):c.359del (p.Asp120fs)

Gene: KBTBD13 (kelch repeat and BTB domain containing 13; plus strand). Cytogenetic location: 15q22.31.
Variant type: Deletion.
Coding change: c.359del on transcript NM_001101362.3 (MANE Select); coding-DNA position 359, one base deleted (A; older notation c.359delA).
Protein change: p.Asp120fs; shifts the reading frame from aspartic acid 120.
Molecular consequence: frameshift variant.
Genome position (GRCh38, 1-based): chr15:65,077,174, A deleted. VCF-style (leftmost placement, unchanged base first): chr15-65077173-GA-G. GRCh37 (hg19) VCF-style: chr15-65369511-GA-G.
Other names: c.359delA (NM_001101362.2); short protein forms D120fs.
Identifiers: ClinVar variation 572353 (VCV000572353.9), dbSNP rs903604256, ClinGen allele CA271503459.

ClinVar aggregate classification (germline): Conflicting classifications of pathogenicity. Review status: criteria provided, conflicting classifications (1 of 4 stars). 2 submissions from 2 submitters: Uncertain significance (1); Likely benign (1). Last evaluated 2025-10-02.

Conditions:
Nemaline myopathy 6 (NEM6). Also called: Nemaline myopathy 6, autosomal dominant. Identifiers: Orphanet 171439, MedGen C1836472, MONDO:0012237, OMIM 609273.

Allele frequency attached by ClinVar (database versions not stated): gnomAD exomes 0.00004; gnomAD 0.00005 and 0.00010; TOPMed 0.00011.

Submissions (2):

Labcorp Genetics (formerly Invitae), Labcorp
Classification: Uncertain significance for Nemaline myopathy 6. Last evaluated: 2025-10-02. Review status: criteria provided, single submitter. Criteria: Invitae Variant Classification Sherloc (09022015). Collection method: clinical testing. Allele origin: germline.
Comment: This sequence change creates a premature translational stop signal (p.Asp120Alafs*41) in the KBTBD13 gene. While this is not anticipated to result in nonsense mediated decay, it is expected to disrupt the last 339 amino acid(s) of the KBTBD13 protein. This variant is present in population databases (no rsID available, gnomAD 0.01%). This variant has not been reported in the literature in individuals affected with KBTBD13-related conditions. ClinVar contains an entry for this variant (Variation ID: 572353). Experimental studies and prediction algorithms are not available or were not evaluated, and the functional significance of this variant is currently unknown. In summary, the available evidence is currently insufficient to determine the role of this variant in disease. Therefore, it has been classified as a Variant of Uncertain Significance.

Laboratory of Genetics, Children's Clinical University Hospital Latvia
Classification: Likely benign. Last evaluated: 2025-02-16. Review status: criteria provided, single submitter. Criteria: ACMG Guidelines, 2015. Collection method: clinical testing. Allele origin: germline. Affected: yes.